The following is an entry in ClinVar:

ClinVar aggregate classification (germline): Uncertain significance (1 of 4 stars; one submission).

Submission:

GeneDx
Classification: Uncertain significance. Last evaluated: 2025-09-30. Review status: criteria provided, single submitter. Criteria: GeneDx Variant Classification Process June 2021. Collection method: clinical testing. Allele origin: germline.
Comment: Frameshift variant predicted to result in protein truncation or nonsense mediated decay in a gene or region of a gene for which loss of function is not a well-established mechanism of disease; Not observed at significant frequency in large population cohorts (gnomAD); Has not been previously published as pathogenic or benign to our knowledge

NM_002240.5(KCNJ6):c.302_303del (p.Thr101fs)

Genes: KCNJ6 (potassium inwardly rectifying channel subfamily J member 6; minus strand), KCNJ6-AS1 (KCNJ6 antisense RNA 1; plus strand). Cytogenetic location: 21q22.13.
Variant type: Microsatellite.
Coding change: c.302_303del on transcript NM_002240.5 (MANE Select); coding-DNA positions 302 to 303, 2 bases deleted (CA; older notation c.302_303delCA).
Protein change: p.Thr101fs; shifts the reading frame from threonine 101.
Molecular consequence: frameshift variant. On other transcripts: non-coding transcript variant (1).
Genome position (GRCh38, 1-based): chr21:37,714,854-37,714,855, TG deleted on the plus strand (CA on the coding strand, the reverse complement: KCNJ6 is on the minus strand); deleting any 2 consecutive bases within chr21:37,714,854-37,714,858 gives the same sequence; the c. name uses the placement nearest the transcript's 3' end. VCF-style (leftmost placement, unchanged base first): chr21-37714853-CTG-C. GRCh37 (hg19) VCF-style: chr21-39087156-CTG-C.
Other names: short protein forms T101fs.
Identifiers: ClinVar variation 3340942 (VCV003340942.2).